The following is an entry in ClinVar:

NM_033056.4(PCDH15):c.4408_4470dup (p.Ile1490_Glu1491insAsnSerValSerGluAspArgLysHisGlnGlnValValMetProPheSerSerAsnThrIle)

Gene: PCDH15 (protocadherin related 15; minus strand). Cytogenetic location: 10q21.1.
Variant type: Duplication.
Coding change: c.4408_4470dup on transcript NM_033056.4 (MANE Plus Clinical); coding-DNA positions 4408 to 4470, 63 bases duplicated.
Protein change: p.Ile1490_Glu1491insAsnSerValSerGluAspArgLysHisGlnGlnValValMetProPheSerSerAsnThrIle.
Molecular consequence: inframe insertion. On other transcripts: intron variant (8).
Genome position (GRCh38, 1-based): chr10:53,823,256-53,823,318, 63 bases duplicated. GRCh37 (hg19): chr10:55,583,017-55,583,079.
Other names: c.4429_4491dup, p.Ile1497_Glu1498insAsnSerValSerGluAspArgLysHisGlnGlnValValMetProPheSerSerAsnThrIle (NM_001142763.2); c.4414_4476dup, p.Ile1492_Glu1493insAsnSerValSerGluAspArgLysHisGlnGlnValValMetProPheSerSerAsnThrIle (NM_001142764.2); c.4201_4263dup, p.Ile1421_Glu1422insAsnSerValSerGluAspArgLysHisGlnGlnValValMetProPheSerSerAsnThrIle (NM_001142765.2); c.4399_4461dup, p.Ile1487_Glu1488insAsnSerValSerGluAspArgLysHisGlnGlnValValMetProPheSerSerAsnThrIle (NM_001142766.2); c.4288_4350dup, p.Ile1450_Glu1451insAsnSerValSerGluAspArgLysHisGlnGlnValValMetProPheSerSerAsnThrIle (NM_001142767.2); c.4348_4410dup, p.Ile1470_Glu1471insAsnSerValSerGluAspArgLysHisGlnGlnValValMetProPheSerSerAsnThrIle (NM_001142768.2); c.4339_4401dup, p.Ile1467_Glu1468insAsnSerValSerGluAspArgLysHisGlnGlnValValMetProPheSerSerAsnThrIle (NM_001142773.2); c.4342_4404dup, p.Ile1468_Glu1469insAsnSerValSerGluAspArgLysHisGlnGlnValValMetProPheSerSerAsnThrIle (NM_001354404.2); and 6 more.
Identifiers: ClinVar variation 1977254 (VCV001977254.3), dbSNP rs2076428775, ClinGen allele CA593499855.

ClinVar aggregate classification (germline): Uncertain significance (1 of 4 stars; one submission).

Submission:

Labcorp Genetics (formerly Invitae), Labcorp
Classification: Uncertain significance. Last evaluated: 2025-05-05. Review status: criteria provided, single submitter. Criteria: Invitae Variant Classification Sherloc (09022015). Collection method: clinical testing. Allele origin: germline.
Comment: This variant, c.4408_4470dup, results in the insertion of 21 amino acid(s) of the PCDH15 protein (p.Asn1470_Ile1490dup), but otherwise preserves the integrity of the reading frame. The frequency data for this variant in the population databases is considered unreliable, as metrics indicate poor data quality at this position in the gnomAD database. This variant has not been reported in the literature in individuals affected with PCDH15-related conditions. ClinVar contains an entry for this variant (Variation ID: 1977254). In summary, the available evidence is currently insufficient to determine the role of this variant in disease. Therefore, it has been classified as a Variant of Uncertain Significance.